The following is an entry in ClinVar:

NM_004336.5(BUB1):c.2213T>C (p.Val738Ala)

Gene: BUB1 (BUB1 mitotic checkpoint serine/threonine kinase; minus strand). Cytogenetic location: 2q13.
Variant type: single nucleotide variant.
Coding change: c.2213T>C on transcript NM_004336.5 (MANE Select); coding-DNA position 2213, T replaced by C.
Protein change: p.Val738Ala; replaces valine 738 with alanine.
Molecular consequence: missense variant.
Genome position (GRCh38, 1-based): chr2:110,649,368, A>G on the plus strand (T>C on the coding strand, the complement: BUB1 is on the minus strand). VCF-style: chr2-110649368-A-G. GRCh37 (hg19) VCF-style: chr2-111406945-A-G.
Other names: c.2153T>C, p.Val718Ala (NM_001278616.2); c.2213T>C, p.Val738Ala (NM_001278617.2); short protein forms V738A, V718A.
Identifiers: ClinVar variation 1787806 (VCV001787806.5), dbSNP rs770523067, ClinGen allele CA1827841.

ClinVar aggregate classification (germline): Uncertain significance. Review status: criteria provided, multiple submitters, no conflicts (2 of 4 stars). 2 submissions from 2 submitters: Uncertain significance (2). Last evaluated 2025-05-26.

Allele frequency attached by ClinVar (database versions not stated): gnomAD exomes 0.00001; ExAC 0.00002; TOPMed 0.00002; gnomAD 0.00003.
gnomAD v4.1: 18 of 1,590,128 alleles (0.0011%); highest among the groups gnomAD compares: Admixed American, 0.0074%; no homozygotes.

Submissions (2):

Ambry Genetics
Classification: Uncertain significance. Last evaluated: 2025-05-26. Review status: criteria provided, single submitter. Criteria: Ambry Variant Classification Scheme 2023. Collection method: clinical testing. Allele origin: germline.

Labcorp Genetics (formerly Invitae), Labcorp
Classification: Uncertain significance. Last evaluated: 2024-10-28. Review status: criteria provided, single submitter. Criteria: Invitae Variant Classification Sherloc (09022015). Collection method: clinical testing. Allele origin: germline.
Comment: This sequence change replaces valine, which is neutral and non-polar, with alanine, which is neutral and non-polar, at codon 738 of the BUB1 protein (p.Val738Ala). This variant is present in population databases (rs770523067, gnomAD 0.003%). This variant has not been reported in the literature in individuals affected with BUB1-related conditions. ClinVar contains an entry for this variant (Variation ID: 1787806). In summary, the available evidence is currently insufficient to determine the role of this variant in disease. Therefore, it has been classified as a Variant of Uncertain Significance.